The following is an entry in ClinVar:

ClinVar aggregate classification (germline): Uncertain significance. Review status: criteria provided, multiple submitters, no conflicts (2 of 4 stars). 2 submissions from 2 submitters: Uncertain significance (2). Last evaluated 2026-09-22.

Conditions:
TTN-related disorder. Also called: TTN-related disorders; TTN-related condition; TTN-related disease.

Allele frequency attached by ClinVar (database versions not stated): ExAC 0.00001; gnomAD 0.00001; gnomAD exomes 0.00001; TOPMed 0.00002.
gnomAD v4.1: 19 of 1,612,896 alleles (0.0012%); highest among the groups gnomAD compares: Non-Finnish European, 0.0016%; no homozygotes.

Submissions (2):

PreventionGenetics, part of Exact Sciences
Classification: Uncertain significance for TTN-related condition. Last evaluated: 2026-09-22. Review status: criteria provided, single submitter. Criteria: ACMG Guidelines, 2015. Collection method: clinical testing. Allele origin: germline.
Comment: The TTN c.10591C>T variant is predicted to result in the amino acid substitution p.Pro3531Ser. This variant is referred to as c.11311+1315C>T (intronic) with an alternate transcript NM_001267550. To our knowledge, this variant has not been reported in the literature. This variant is reported in 0.0018% of alleles in individuals of European (Non-Finnish) descent in gnomAD. At this time, the clinical significance of this variant is uncertain due to the absence of conclusive functional and genetic evidence.

AiLife Diagnostics
Classification: Uncertain significance. Last evaluated: 2021-12-03. Review status: criteria provided, single submitter. Criteria: ACMG Guidelines, 2015. Collection method: clinical testing. Allele origin: germline. Affected: yes. Observed: 1 variant allele.

NM_133379.5(TTN):c.10591C>T (p.Pro3531Ser)

Gene: TTN (titin; minus strand). Cytogenetic location: 2q31.2.
Variant type: single nucleotide variant.
Coding change: c.10591C>T on transcript NM_133379.5; coding-DNA position 10591, C replaced by T.
Protein change: p.Pro3531Ser; replaces proline 3531 with serine.
Molecular consequence: missense variant. On other transcripts: intron variant (6).
Genome position (GRCh38, 1-based): chr2:178,751,809, G>A on the plus strand (C>T on the coding strand, the complement: TTN is on the minus strand). VCF-style: chr2-178751809-G-A. GRCh37 (hg19) VCF-style: chr2-179616536-G-A.
Other names: c.10222+1315C>T (NM_003319.4); c.10798+1315C>T (NM_133437.4); c.10597+1315C>T (NM_133432.3); c.10360+1315C>T (NM_133378.4, NM_001256850.1); c.11311+1315C>T (NM_001267550.2); c.10591C>T (NM_133379.4); short protein forms P3531S.
Identifiers: ClinVar variation 1677679 (VCV001677679.3), dbSNP rs754822736, ClinGen allele CA2003879.
Genomic context (GRCh38, chr2:178,751,809, plus strand): 5'-TCCGACGAAGACCTGTTGGGATGGGCCGATTGTTATGAAACCAAGTCATTTCTGGAGTTG[G>A]ACAGGCAATTAATCTACATGTAAAAACAACCGGTTCACCCTCTAAAACATATTTAAATGT-3'